The following is an entry in ClinVar:

NM_001104631.2(PDE4D):c.1748C>T (p.Ala583Val)

Gene: PDE4D (phosphodiesterase 4D; minus strand). Cytogenetic location: 5q11.2.
Variant type: single nucleotide variant.
Coding change: c.1748C>T on transcript NM_001104631.2 (MANE Select); coding-DNA position 1748, C replaced by T.
Protein change: p.Ala583Val; replaces alanine 583 with valine.
Molecular consequence: missense variant.
Genome position (GRCh38, 1-based): chr5:58,976,432, G>A on the plus strand (C>T on the coding strand, the complement: PDE4D is on the minus strand). VCF-style: chr5-58976432-G-A. GRCh37 (hg19) VCF-style: chr5-58272259-G-A.
Other names: c.1358C>T, p.Ala453Val (NM_001197220.2); c.1418C>T, p.Ala473Val (NM_001349242.2); c.980C>T, p.Ala327Val (NM_001349243.2, NM_001364604.1); c.1565C>T, p.Ala522Val (NM_001364599.1, NM_001165899.2); c.842C>T, p.Ala281Val (NM_001364603.1, NM_001197221.2); c.1340C>T, p.Ala447Val (NM_006203.5); c.1076C>T, p.Ala359Val (NM_001197222.2); c.1556C>T, p.Ala519Val (NM_001197218.2); and 3 more; short protein forms A522V, A583V, A453V, A473V, A281V, A292V, A447V, A461V.
Identifiers: ClinVar variation 546286 (VCV000546286.2), dbSNP rs1554033942, ClinGen allele CA359814880.
Genomic context (GRCh38, chr5:58,976,432, plus strand): 5'-TCAAGAAGAAGAACTCCAGAGCTTGTCACTTTCTTAGTTTCAACCATAGTCTTCAAATCA[G>A]CCAGTAGATTCATGTGTTTTGACATATCTGTTGCAAGTACCTTAAAATATAGAGTATATT-3'
Protein context (NP_001098101.1, residues 573-593): TDMSKHMNLL[Ala583Val]DLKTMVETKK

ClinVar aggregate classification (germline): Uncertain significance (1 of 4 stars; one submission).

Submission:

GeneDx
Classification: Uncertain significance. Last evaluated: 2018-05-21. Review status: criteria provided, single submitter. Criteria: GeneDx Variant Classification (06012015). Collection method: clinical testing. Allele origin: germline. Affected: yes.
Comment: The A583V variant in the PDE4D gene has not been reported previously as a pathogenic variant, nor as a benign variant, to our knowledge. The A583V variant is not observed in large population cohorts (Lek et al., 2016). In silico analyses, including protein predictors and evolutionary conservation, support a deleterious effect. However, the A583V variant is a conservative amino acid substitution, which is not likely to impact secondary protein structure as these residues share similar properties. We interpret A583V as a variant of uncertain significance.